The following is an entry in ClinVar:

ClinVar aggregate classification (germline): Pathogenic (1 of 4 stars; one submission).

Conditions:
Chromosome 2p16.3 deletion syndrome. Identifiers: MedGen C3808494, MONDO:0013696, OMIM 614332.

Submission:

Kasturba Medical College, Manipal, Kasturba Medical College, Manipal, Manipal Academy of Higher Education, Manipal, India
Classification: Pathogenic for Chromosome 2p16.3 deletion syndrome. Review status: criteria provided, single submitter. Criteria: ACMG/ClinGen CNV Guidelines, 2019. Collection method: clinical testing. Allele origin: maternal. Inheritance: Autosomal dominant inheritance. Affected: yes. Observed: 1 heterozygote.
Comment: 2p16.3 microdeletion syndrome is associated with reduced penetrance (Al Shehhi et al., 2019). Individuals with this microdeletion syndrome have been reported with intellectual disability, speech delay, and susceptibility to autism and schizophrenia (Dabell et al., 2013). The clinical features observed in proband are in concordance with 2p16.3 microdeletion syndrome.

GRCh38/hg38 2p16.3(chr2:50399054-50579740)x1

Gene: NRXN1 (neurexin 1; minus strand). Cytogenetic location: 2p16.3.
Variant type: copy number loss.
Change: copy number 1 (one copy instead of two) of chr2:50,399,054-50,579,740 (180.7 kb, GRCh38 coordinates, 1-based), cytogenetic band 2p16.3.
Identifiers: ClinVar variation 3376541 (VCV003376541.2).